The following is an entry in ClinVar:

ClinVar aggregate classification (germline): Conflicting classifications of pathogenicity. Review status: criteria provided, conflicting classifications (1 of 4 stars). 3 submissions from 3 submitters: Uncertain significance (2); Likely benign (1). Last evaluated 2025-07-02.

Conditions:
Fanconi anemia (FA). Also called: Fanconi's anemia. Identifiers: Orphanet 84, MedGen C0015625, MeSH D005199, MONDO:0019391.

Allele frequency attached by ClinVar (database versions not stated): gnomAD exomes below 0.00001 and 0.00001; ExAC 0.00001; gnomAD 0.00003 and 0.00005; 1000 Genomes Project 30x 0.00021; 1000 Genomes Project 0.00026.
gnomAD v4.1: 9 of 1,199,265 alleles (0.00075%); highest among the groups gnomAD compares: Admixed American, 0.02%; no homozygotes.

Submissions (3):

Dasa
Classification: Uncertain significance. Last evaluated: 2025-07-02. Review status: criteria provided, single submitter. Criteria: DASA Assertion Criteria. Collection method: clinical testing. Allele origin: germline.
Comment: NM_001018113.3(FANCB):c.1267T>C (p.Tyr423His) is a missense variant that results in the substitution of tyrosine with histidine. This variant is rare in population databases. Computational prediction algorithms are consistent with a benign effect. The currently available literature and clinical evidence are not sufficient to establish a definitive association between this variant and the reported condition. Therefore, this variant is classified as a variant of uncertain significance.

Labcorp Genetics (formerly Invitae), Labcorp
Classification: Uncertain significance for Fanconi anemia. Last evaluated: 2024-12-04. Review status: criteria provided, single submitter. Criteria: Invitae Variant Classification Sherloc (09022015). Collection method: clinical testing. Allele origin: germline.
Comment: This sequence change replaces tyrosine, which is neutral and polar, with histidine, which is basic and polar, at codon 423 of the FANCB protein (p.Tyr423His). The frequency data for this variant in the population databases is considered unreliable, as metrics indicate poor data quality at this position in the gnomAD database. This variant has not been reported in the literature in individuals affected with FANCB-related conditions. ClinVar contains an entry for this variant (Variation ID: 1054727). Invitae Evidence Modeling of protein sequence and biophysical properties (such as structural, functional, and spatial information, amino acid conservation, physicochemical variation, residue mobility, and thermodynamic stability) indicates that this missense variant is not expected to disrupt FANCB protein function with a negative predictive value of 80%. In summary, the available evidence is currently insufficient to determine the role of this variant in disease. Therefore, it has been classified as a Variant of Uncertain Significance.

CeGaT Center for Human Genetics Tuebingen
Classification: Likely benign. Last evaluated: 2023-04-01. Review status: criteria provided, single submitter. Criteria: CeGaT Center For Human Genetics Tuebingen Variant Classification Criteria Version 2. Collection method: clinical testing. Allele origin: germline. Affected: yes. Observed: 1 variant allele.
Comment: FANCB: BP4, BS2

NM_001018113.3(FANCB):c.1267T>C (p.Tyr423His)

Gene: FANCB (FA complementation group B; minus strand). Cytogenetic location: Xp22.2.
Variant type: single nucleotide variant.
Coding change: c.1267T>C on transcript NM_001018113.3 (MANE Select); coding-DNA position 1267, T replaced by C.
Protein change: p.Tyr423His; replaces tyrosine 423 with histidine.
Molecular consequence: missense variant.
Genome position (GRCh38, 1-based): chrX:14,853,098, A>G on the plus strand (T>C on the coding strand, the complement: FANCB is on the minus strand). VCF-style: chrX-14853098-A-G. GRCh37 (hg19) VCF-style: chrX-14871220-A-G.
Other names: c.1267T>C, p.Tyr423His (NM_001324162.2, NM_152633.4); short protein forms Y423H.
Identifiers: ClinVar variation 1054727 (VCV001054727.31), dbSNP rs776805534, ClinGen allele CA10353080.